The following is an entry in ClinVar:

NM_024577.4(SH3TC2):c.1978C>T (p.Gln660Ter)

Gene: SH3TC2 (SH3 domain and tetratricopeptide repeats 2; minus strand). Cytogenetic location: 5q32.
Variant type: single nucleotide variant.
Coding change: c.1978C>T on transcript NM_024577.4 (MANE Select); coding-DNA position 1978, C replaced by T.
Protein change: p.Gln660Ter; replaces glutamine 660 with a stop codon.
Molecular consequence: nonsense.
Genome position (GRCh38, 1-based): chr5:149,027,754, G>A on the plus strand (C>T on the coding strand, the complement: SH3TC2 is on the minus strand). VCF-style: chr5-149027754-G-A. GRCh37 (hg19) VCF-style: chr5-148407317-G-A.
Other names: short protein forms Q660*.
Identifiers: ClinVar variation 543354 (VCV000543354.8), dbSNP rs1554121665, ClinGen allele CA361667337.
Genomic context (GRCh38, chr5:149,027,754, plus strand): 5'-ACAGAAAACTCAAAACACTGGCCACAGCCTCAGAGGCAGGAGGGTGTCCAGAGAGGAGCT[G>A]CAGGCGCTCGGCAAAGGGCAGGACCTCCTCGTGCCGGCCTAGGCTCAGGAGCAAGCGGAT-3'

ClinVar aggregate classification (germline): Pathogenic (1 of 4 stars; one submission).

Conditions:
Charcot-Marie-Tooth disease type 4. Also called: Charcot-Marie-Tooth disease, type IV; Charcot-Marie-Tooth, Type 4. Identifiers: Orphanet 64749, MedGen C4082197, MONDO:0018995.

Allele frequency attached by ClinVar (database versions not stated): gnomAD exomes below 0.00001; TOPMed below 0.00001; gnomAD 0.00001.
gnomAD v4.1: 2 of 1,613,826 alleles (0.00012%); highest among the groups gnomAD compares: East Asian, 0.0022%; no homozygotes.

Submission:

Labcorp Genetics (formerly Invitae), Labcorp
Classification: Pathogenic for Charcot-Marie-Tooth disease type 4. Last evaluated: 2023-11-17. Review status: criteria provided, single submitter. Criteria: Invitae Variant Classification Sherloc (09022015). Collection method: clinical testing. Allele origin: germline.
Comment: This sequence change creates a premature translational stop signal (p.Gln660*) in the SH3TC2 gene. It is expected to result in an absent or disrupted protein product. Loss-of-function variants in SH3TC2 are known to be pathogenic (PMID: 20220177, 27068304). This variant is not present in population databases (gnomAD no frequency). This premature translational stop signal has been observed in individual(s) with clinical features of Charcot-Marie-Tooth disease (Invitae). ClinVar contains an entry for this variant (Variation ID: 543354). For these reasons, this variant has been classified as Pathogenic.

Literature cited by the submitters: PubMed 20220177; PubMed 27068304.